The following is an entry in ClinVar:

NM_032656.4(DHX37):c.2247G>A (p.Pro749=)

Gene: DHX37 (DEAH-box helicase 37; minus strand). Cytogenetic location: 12q24.31.
Variant type: single nucleotide variant.
Coding change: c.2247G>A on transcript NM_032656.4 (MANE Select); coding-DNA position 2247, G replaced by A.
Protein change: p.Pro749=; no amino-acid change (proline 749 retained).
Molecular consequence: synonymous variant.
Genome position (GRCh38, 1-based): chr12:124,957,046, C>T on the plus strand (G>A on the coding strand, the complement: DHX37 is on the minus strand). VCF-style: chr12-124957046-C-T. GRCh37 (hg19) VCF-style: chr12-125441592-C-T.
Identifiers: ClinVar variation 4872980 (VCV004872980.2).

ClinVar aggregate classification (germline): Likely benign (1 of 4 stars; one submission).

gnomAD v4.1: 15 of 1,512,286 alleles (0.00099%); highest among the groups gnomAD compares: Middle Eastern, 0.018%; 1 homozygote.

Submission:

CeGaT Center for Human Genetics Tuebingen
Classification: Likely benign. Last evaluated: 2026-06-01. Review status: criteria provided, single submitter. Criteria: CeGaT Center For Human Genetics Tuebingen Variant Classification Criteria Version 2. Collection method: clinical testing. Allele origin: germline. Affected: yes. Observed: 1 variant allele.
Comment: DHX37: BP4, BP7